The following continues an entry in ClinVar:

NM_000277.3(PAH):c.1315+1G>A

Gene: PAH. ClinVar aggregate classification (germline): Pathogenic. Pathogenic (1).

Submissions 26 to 43 of 43:

Myriad Genetics, Inc.
Classification: Pathogenic for Phenylketonuria. Last evaluated: 2019-12-20. Review status: criteria provided, single submitter. Criteria: Myriad Women's Health Autosomal Recessive and X-Linked Classification Criteria (2019). Collection method: clinical testing. Allele origin: unknown. Not counted in ClinVar's aggregate classification.
Comment: NM_000277.1(PAH):c.1315+1G>A is classified as pathogenic in the context of phenylalanine hydroxylase deficiency. The c.1315+1G>A variant is associated with classic PKU. Sources cited for classification include the following: PMID 22526846, 17502162, 9634518, 2014036 and 17935162. Classification of NM_000277.1(PAH):c.1315+1G>A is based on the following criteria: This is a well-established pathogenic variant in the literature that has been observed more frequently in patients with clinical diagnoses than in healthy populations. Please note: this variant was assessed in the context of healthy population screening.

Knight Diagnostic Laboratories, Oregon Health and Sciences University
Classification: Pathogenic for Phenylketonuria. Last evaluated: 2018-08-10. Review status: criteria provided, single submitter. Criteria: ACMG Guidelines, 2015. Collection method: clinical testing. Allele origin: germline. Observed: 1 variant allele. Not counted in ClinVar's aggregate classification.

Eurofins Ntd Llc (ga)
Classification: Pathogenic. Last evaluated: 2017-05-03. Review status: criteria provided, single submitter. Criteria: EGL Classification Definitions 2015. Collection method: clinical testing. Allele origin: germline. Observed: 71 variant alleles, 67 heterozygotes, 4 homozygotes. Not counted in ClinVar's aggregate classification.

Illumina Laboratory Services, Illumina
Classification: Pathogenic for Phenylketonuria. Last evaluated: 2017-04-28. Review status: criteria provided, single submitter. Criteria: ICSL Variant Classification Criteria 09 May 2019. Collection method: clinical testing. Allele origin: germline. Not counted in ClinVar's aggregate classification.
Comment: Across a selection of the available literature, the PAH c.1315+1G>A variant, which occurs in a canonical splice site (donor) and is therefore predicted to disrupt or distort the normal gene product, is noted as one of the prevalent variants in the PAH gene. This variant has been identified in a homozygous state in at least 22 individuals with phenylalanine hydroxylase deficiency, in a compound heterozygous state in 151 patients, and in a heterozygous state in two patients (Guldberg et al. 1998; Koch et al. 2002; Bell et al. 2011; Bayat et al. 2016). Control data are unavailable for this variant, which is reported at a frequency of 0.00105 in the European American population of the Exome Sequencing Project. The c.1315+1G>A variant was shown to cause skipping of exon 11, leading to loss of protein function (Marvit et al. 1987; Heintz et al. 2013; Couce et al. 2013). Based on the evidence from the literature and the potential impact of splice donor variants, the c.1315+1G>A variant is classified as pathogenic for phenylalanine hydroxylase deficiency. This variant was observed by ICSL as part of a predisposition screen in an ostensibly healthy population.

Clinical Genetics DNA and cytogenetics Diagnostics Lab, Erasmus MC, Erasmus Medical Center
Classification: Pathogenic for Phenylketonuria. Last evaluated: 2016-10-07. Review status: criteria provided, single submitter. Criteria: ACGS Guidelines, 2013. Collection method: clinical testing. Allele origin: germline. Affected: yes. Study: VKGL Data-share Consensus. Not counted in ClinVar's aggregate classification.

Women's Health and Genetics/Laboratory Corporation of America, LabCorp
Classification: Pathogenic for Phenylketonuria. Last evaluated: 2016-05-06. Review status: criteria provided, single submitter. Criteria: LabCorp Variant Classification Summary - May 2015. Collection method: clinical testing. Allele origin: germline. Not counted in ClinVar's aggregate classification.
Comment: Variant summary: The c.1315+1G>A variant affects a conserved intronic nucleotide. One in-silico tool predicts damaging outcome for this variant and 5/5 splice-tools in Alamut predict that this variant abolishes a splice donor site at intron 12. This variant is found in 42/121228 control chromosomes at a frequency of 0.0003465, which does not exceed maximal expected frequency of a pathogenic allele (0.0079057). The variant has been reported in numerous affected individuals in the literature, is considered a common pathogenic variant in European populations, and has been shown to results in the complete absence of PAH activity. In addition, multiple reputable clinical labs have classified this variant as pathogenic. Taken together, this variant was classified as pathogenic.

Laboratory for Molecular Medicine, Mass General Brigham Personalized Medicine
Classification: Pathogenic for Phenylketonuria. Last evaluated: 2016-02-01. Review status: criteria provided, single submitter. Criteria: ACMG Guidelines, 2015. Collection method: clinical testing. Allele origin: germline. Inheritance: Autosomal recessive inheritance. Not counted in ClinVar's aggregate classification.
Comment: The c.1315+1G>A variant in PAH is a well-established variant in patients with classic PKU (Okano 1991, Zurfluh 2008). This variant occurs in the invariant region (+/- 1,2) of the splice consensus sequence and is predicted to cause altered splicing leading to an abnormal or absent protein and in vitro functional studies provide evidence that the c.1315+1G>A variant impacts protein function (Okano 1991, Couce 2013, Heintz 2013, Zurfluh 2008, ). This variant has been identified in 0.06% (40/66664) of European chromosomes by the Exome Aggregation Consortium (ExAC; rs5030861). Although this variant has been seen in the general population, its frequency is low enough to be consistent with a recessive carrier frequency. In summary, this variant meets our criteria to be classified as pathogenic for phenylketonuria in an autosomal recessive manner.

Genome Diagnostics Laboratory, University Medical Center Utrecht
Classification: Pathogenic for Phenylketonuria. Last evaluated: 2014-10-08. Review status: criteria provided, single submitter. Criteria: ACGS Guidelines, 2013. Collection method: clinical testing. Allele origin: germline. Affected: yes. Study: VKGL Data-share Consensus. Not counted in ClinVar's aggregate classification.

Clinical Genetics Service, Universitary Hospital 12 de Octubre
Classification: Pathogenic for Phenylketonuria. Review status: criteria provided, single submitter. Criteria: ACMG Guidelines, 2015. Collection method: clinical testing. Allele origin: germline. Affected: yes. Not counted in ClinVar's aggregate classification.

UNC Molecular Genetics  Laboratory, University of North Carolina at Chapel Hill
Classification: Pathogenic for Phenylketonuria. Review status: criteria provided, single submitter. Criteria: ACMG Guidelines, 2015. Collection method: research. Allele origin: germline. Affected: yes. Observed: 3 variant alleles. Study: NSIGHT-NC NEXUS. Not counted in ClinVar's aggregate classification.
Comment: The PAH c.1315+1G>A (p.?) variant is predicted to disrupt a canonical donor splice site. This variant is considered a severe PAH variant that has been observed in autosomal recessive classic phenylketonuria and is not responsive to tetrahydrobiopterin therapy. This variant has also been referred to in the literature as IVS12+1G>A (PMID: 3615198; 23500595; 12655544; 24190797; 17935162).

OMIM
Classification: Pathogenic for PHENYLKETONURIA. Last evaluated: 1987-07-24. Review status: no assertion criteria provided. Collection method: literature only. Allele origin: germline. Not counted in ClinVar's aggregate classification.

DeBelle Laboratory for Biochemical Genetics, MUHC/MCH RESEARCH INSTITUTE
No classification provided. Review status: no classification provided. Collection method: not provided. Allele origin: not provided. Not counted in ClinVar's aggregate classification.

Diagnostic Laboratory, Department of Genetics, University Medical Center Groningen
Classification: Pathogenic for Phenylketonuria. Review status: no assertion criteria provided. Collection method: clinical testing. Allele origin: germline. Affected: yes. Study: VKGL Data-share Consensus. Not counted in ClinVar's aggregate classification.

Dr. Peter K. Rogan Lab, Western University
No classification provided (evidence only). Condition: Clear cell carcinoma of kidney. Review status: no classification provided. Collection method: in vitro. Allele origin: not applicable. Functional consequence: skipped exon. Not counted in ClinVar's aggregate classification.

Dr. Peter K. Rogan Lab, Western University
No classification provided (evidence only). Condition: Malignant tumor of esophagus. Review status: no classification provided. Collection method: in vitro. Allele origin: not applicable. Functional consequence: skipped exon, retained intron. Not counted in ClinVar's aggregate classification.

GeneReviews
No classification provided. Condition: Phenylketonuria. Review status: no classification provided. Collection method: literature only. Allele origin: germline. Affected: yes. Not counted in ClinVar's aggregate classification.

Genome Diagnostics Laboratory, Amsterdam University Medical Center
Classification: Pathogenic. Review status: no assertion criteria provided. Collection method: clinical testing. Allele origin: germline. Affected: yes. Study: VKGL Data-share Consensus. Not counted in ClinVar's aggregate classification.

Joint Genome Diagnostic Labs from Nijmegen and Maastricht, Radboudumc and MUMC+
Classification: Pathogenic. Review status: no assertion criteria provided. Collection method: clinical testing. Allele origin: germline. Affected: yes. Study: VKGL Data-share Consensus. Not counted in ClinVar's aggregate classification.

Literature cited by the submitters: PubMed 23500595 (cited by 8 submitters); PubMed 24941924 (cited by 4 submitters); PubMed 3615198 (cited by 11 submitters); PubMed 17935162 (cited by 12 submitters); PubMed 12655544 (cited by Dasa and UNC Molecular Genetics  Laboratory, University of North Carolina at Chapel Hill); PubMed 24368688 (cited by 3 submitters); PubMed 25596310 (cited by Labcorp Genetics (formerly Invitae), Labcorp and Quest Diagnostics Nichols Institute San Juan Capistrano); PubMed 26542770 (cited by 4 submitters); PubMed 9634518 (cited by 4 submitters); PubMed 17576681 (cited by Labcorp Genetics (formerly Invitae), Labcorp); PubMed 9536098 (cited by Labcorp Genetics (formerly Invitae), Labcorp); PubMed 11999982 (cited by 3 submitters); PubMed 29288420 (cited by Variantyx, Inc.); PubMed 22355511 (cited by Otogenetics); PubMed 23942198 (cited by Otogenetics); PubMed 24190797 (cited by 3 submitters); PubMed 30963030 (cited by Otogenetics); PubMed 33375644 (cited by Otogenetics and Quest Diagnostics Nichols Institute San Juan Capistrano); PubMed 37189584 (cited by Natera, Inc. and Quest Diagnostics Nichols Institute San Juan Capistrano); PubMed 3008810 (cited by 5 submitters); PubMed 21228398 (cited by Quest Diagnostics Nichols Institute San Juan Capistrano and Illumina Laboratory Services, Illumina); PubMed 23559577 (cited by 3 submitters); PubMed 22975760 (cited by Quest Diagnostics Nichols Institute San Juan Capistrano); PubMed 2014036 (cited by 3 submitters); PubMed 25087612 (cited by Quest Diagnostics Nichols Institute San Juan Capistrano and Ambry Genetics); PubMed 25525159 (cited by 3 submitters); PubMed 23430918 (cited by Quest Diagnostics Nichols Institute San Juan Capistrano); PubMed 34828281 (cited by Quest Diagnostics Nichols Institute San Juan Capistrano); PubMed 36646061 (cited by Quest Diagnostics Nichols Institute San Juan Capistrano); PubMed 22526846 (cited by Myriad Genetics, Inc. and Women's Health and Genetics/Laboratory Corporation of America, LabCorp); PubMed 17502162 (cited by Myriad Genetics, Inc.); PubMed 11914042 (cited by Illumina Laboratory Services, Illumina); PubMed 20301677 (cited by UNC Molecular Genetics  Laboratory, University of North Carolina at Chapel Hill); NCBI Bookshelf NBK1504 (cited by GeneReviews).